The following is an entry in ClinVar:

ClinVar aggregate classification (germline): Uncertain significance. Review status: criteria provided, multiple submitters, no conflicts (2 of 4 stars). 3 submissions from 3 submitters: Uncertain significance (3). Last evaluated 2024-03-13.

Conditions:
Nephronophthisis. Also called: Juvenile Nephronophthisis. Identifiers: Orphanet 655, MedGen C0687120, MONDO:0019005, HP:0000090.
Inborn genetic diseases. Identifiers: MedGen C0950123, MeSH D030342.
Nephronophthisis 3 (NPHP3). Also called: Adolescent nephronophthisis. Identifiers: Orphanet 655, MedGen C1858392, MONDO:0011456, OMIM 604387.
NPHP3-related Meckel-like syndrome. Also called: Meckel syndrome type 7; GOLDSTON SYNDROME. Identifiers: Orphanet 3032, MedGen C2673885, MONDO:0009966, OMIM 267010.
Renal-hepatic-pancreatic dysplasia 1 (RHPD1). Identifiers: MedGen C3715199, MONDO:0008833, OMIM 208540.

Allele frequency attached by ClinVar (database versions not stated): ExAC 0.00001; gnomAD 0.00001; gnomAD exomes 0.00001; TOPMed 0.00002; ESP Exome Variant Server 0.00008.
gnomAD v4.1: 8 of 1,610,748 alleles (0.0005%); highest among the groups gnomAD compares: Non-Finnish European, 0.00059%; no homozygotes.

Submissions (3):

Fulgent Genetics
Classification: Uncertain significance for Renal-hepatic-pancreatic dysplasia 1; NPHP3-related Meckel-like syndrome; Nephronophthisis 3. Last evaluated: 2024-03-13. Review status: criteria provided, single submitter. Criteria: ACMG Guidelines, 2015. Collection method: clinical testing. Allele origin: germline.

Ambry Genetics
Classification: Uncertain significance for Inborn genetic diseases. Last evaluated: 2024-02-28. Review status: criteria provided, single submitter. Criteria: Ambry Variant Classification Scheme 2023. Collection method: clinical testing. Allele origin: germline.

Labcorp Genetics (formerly Invitae), Labcorp
Classification: Uncertain significance for Nephronophthisis. Last evaluated: 2022-10-13. Review status: criteria provided, single submitter. Criteria: Invitae Variant Classification Sherloc (09022015). Collection method: clinical testing. Allele origin: germline.
Comment: In summary, the available evidence is currently insufficient to determine the role of this variant in disease. Therefore, it has been classified as a Variant of Uncertain Significance. Advanced modeling of protein sequence and biophysical properties (such as structural, functional, and spatial information, amino acid conservation, physicochemical variation, residue mobility, and thermodynamic stability) performed at Invitae indicates that this missense variant is not expected to disrupt NPHP3 protein function. ClinVar contains an entry for this variant (Variation ID: 1357343). This variant has not been reported in the literature in individuals affected with NPHP3-related conditions. This variant is present in population databases (rs372339999, gnomAD 0.003%). This sequence change replaces aspartic acid, which is acidic and polar, with histidine, which is basic and polar, at codon 670 of the NPHP3 protein (p.Asp670His).

NM_153240.5(NPHP3):c.2008G>C (p.Asp670His)

Genes: NPHP3-ACAD11 (NPHP3-ACAD11 readthrough (NMD candidate); minus strand), NPHP3 (nephrocystin 3; minus strand). Cytogenetic location: 3q22.1.
Variant type: single nucleotide variant.
Coding change: c.2008G>C on transcript NM_153240.5 (MANE Select); coding-DNA position 2008, G replaced by C.
Protein change: p.Asp670His; replaces aspartic acid 670 with histidine.
Molecular consequence: missense variant. On other transcripts: non-coding transcript variant (1).
Genome position (GRCh38, 1-based): chr3:132,697,340, C>G on the plus strand (G>C on the coding strand, the complement: NPHP3 is on the minus strand). VCF-style: chr3-132697340-C-G. GRCh37 (hg19) VCF-style: chr3-132416184-C-G.
Other names: c.2008G>C (NM_153240.4); short protein forms D670H.
Identifiers: ClinVar variation 1357343 (VCV001357343.6), dbSNP rs372339999, ClinGen allele CA2622140.